The following is an entry in ClinVar:

ClinVar aggregate classification (germline): Conflicting classifications of pathogenicity. Review status: criteria provided, conflicting classifications (1 of 4 stars). 22 submissions from 22 submitters: Uncertain significance (10); Benign (2); Likely benign (7). 3 of the submissions do not count toward it. Last evaluated 2026-03-23.

Conditions:
PMS2-related disorder. Also called: PMS2-related condition.
Hereditary nonpolyposis colorectal neoplasms. Identifiers: MedGen C0009405, MeSH D003123.
Breast and/or ovarian cancer. Identifiers: MedGen CN221562.
Hereditary cancer-predisposing syndrome. Also called: Hereditary Cancer Syndrome; Neoplastic Syndromes, Hereditary; Hereditary neoplastic syndrome; Tumor predisposition. Identifiers: Orphanet 140162, MedGen C0027672, MeSH D009386, MONDO:0015356.
Lynch syndrome. Identifiers: Orphanet 144, MedGen C4552100, MONDO:0005835. Disease mechanism: loss of function.
Mismatch repair cancer syndrome 1 (MMRCS1). Also called: BRAIN TUMOR-POLYPOSIS SYNDROME 1; BTP1 SYNDROME; CHILDHOOD CANCER SYNDROME; MISMATCH REPAIR DEFICIENCY; MMR DEFICIENCY. Identifiers: Orphanet 252202, MedGen C5399763, MONDO:0010159, OMIM 276300. Disease mechanism: loss of function.
Lynch syndrome 4 (LYNCH4). Also called: Colorectal cancer, hereditary nonpolyposis, type 4; Hereditary non-polyposis colorectal cancer, type 4. Identifiers: Orphanet 144, MedGen C1838333, MONDO:0013699, OMIM 614337. Disease mechanism: loss of function.

Allele frequency attached by ClinVar (database versions not stated): gnomAD 0.00016 and 0.00015; ExAC 0.00028; gnomAD exomes 0.00015 and 0.00037; TOPMed 0.00019.
gnomAD v4.1: 261 of 1,610,676 alleles (0.016%); highest among the groups gnomAD compares: Non-Finnish European, 0.0062%; 1 homozygote.

Submissions 1 to 15 of 22:

Institute for Biomarker Research, Medical Diagnostic Laboratories, L.L.C.
Classification: Likely benign for Hereditary cancer-predisposing syndrome. Last evaluated: 2026-03-23. Review status: criteria provided, single submitter. Criteria: ACMG Guidelines, 2015. Collection method: clinical testing. Allele origin: germline.
Comment: The missense variant NM_001322014.2(PMS2):c.53T>C (p.Ile18Thr) has not been reported previously as a pathogenic variant, to our knowledge (Accession: VCV000041714.52). The p.Ile18Thr variant is observed in 73/9,942 (0.7343%) alleles from individuals of gnomAD Ashkenazi Jewish background in gnomAD, which is greater than expected for the disorder. There is a moderate physicochemical difference between isoleucine and threonine. For these reasons, this variant has been classified as Likely Benign.

Labcorp Genetics (formerly Invitae), Labcorp
Classification: Benign for Hereditary nonpolyposis colorectal neoplasms. Last evaluated: 2026-01-31. Review status: criteria provided, single submitter. Criteria: Invitae Variant Classification Sherloc (09022015). Collection method: clinical testing. Allele origin: germline.

Women's Health and Genetics/Laboratory Corporation of America, LabCorp
Classification: Likely benign. Last evaluated: 2025-10-13. Review status: criteria provided, single submitter. Criteria: LabCorp Variant Classification Summary - May 2015. Collection method: clinical testing. Allele origin: germline.
Comment: Variant summary: PMS2 c.53T>C (p.Ile18Thr) results in a non-conservative amino acid change located in the DNA mismatch repair protein family, N-terminal of the encoded protein sequence. Algorithms developed to predict the effect of missense changes on protein structure and function all suggest that this variant is likely to be disruptive. The variant allele was found at a frequency of 0.00037 in 245578 control chromosomes. The observed variant frequency exceeds the estimated maximal expected allele frequency for disease-causing variants in PMS2. c.53T>C has been observed in patients with endometrial, kidney, breast and colorectal cancer, without strong evidence for causality (e.g. Lu_2015, Tung_2015, Tung_2016, Yurgelun_2017, Krivokuca_2021, Guindalini_2022, Vaughn_2010). These report(s) do not provide unequivocal conclusions about association of the variant with Hereditary Nonpolyposis Colorectal Cancer. Co-occurrences with other pathogenic variant(s) have been reported (BRCA2 c.2808_2811del, p.Ala938Profs*21), providing supporting evidence for a benign role. To our knowledge, no experimental evidence demonstrating an impact on protein function has been reported. The following publications have been ascertained in the context of this evaluation (PMID: 20205264, 22703879, 25186627, 26689913, 26976419, 28135145, 27060170, 30447919, 33471991, 34284872, 35264596).ClinVar contains an entry for this variant (Variation ID: 41714). Based on the evidence outlined above, the variant was classified as likely benign.

Quest Diagnostics Nichols Institute San Juan Capistrano
Classification: Benign. Last evaluated: 2025-07-03. Review status: criteria provided, single submitter. Criteria: Quest Diagnostics criteria. Collection method: clinical testing. Allele origin: unknown.

Center for Genomic Medicine, Rigshospitalet, Copenhagen University Hospital
Classification: Uncertain significance. Last evaluated: 2025-03-04. Review status: criteria provided, single submitter. Criteria: ACMG Guidelines, 2015. Collection method: clinical testing. Allele origin: germline.

Myriad Genetics, Inc.
Classification: Likely benign for Lynch syndrome 4. Last evaluated: 2025-01-23. Review status: criteria provided, single submitter. Criteria: Myriad Autosomal Dominant, Autosomal Recessive and X-Linked Classification Criteria (2023). Collection method: clinical testing. Allele origin: unknown.
Comment: This variant is considered likely benign. Homozygosity for this variant has been confirmed in one or more individuals lacking clinical features consistent with gene-specific recessive disease, indicating that this variant is unlikely to be pathogenic.

Blueprint Genetics
Classification: Likely benign. Last evaluated: 2024-10-01. Review status: criteria provided, single submitter. Criteria: ACMG Guidelines, 2015. Collection method: clinical testing. Allele origin: germline.

Hema, HEMA – Genetic and Molecular Diagnostic Laboratory
Classification: Uncertain significance for Lynch syndrome. Last evaluated: 2024-06-11. Review status: criteria provided, single submitter. Criteria: HEMA Variant Classification Assertion Criteria. Collection method: clinical testing. Allele origin: germline.
Comment: The c.53T>C (p.Ile18Thr) variant is a transition from adenine to guanine, resulting in the substitution of isoleucine 18 with threonine. PP3_Moderate: Prior probability of pathogenicity score MAPP/PP2 = 0.8547 > 0.81. PP4: The variant has been detected in an individual with colorectal cancer and loss of PMS2 expression (PMID: 20205264).

CHEO Genetics Diagnostic Laboratory, Children's Hospital of Eastern Ontario
Classification: Uncertain significance for Breast and/or ovarian cancer. Last evaluated: 2023-03-30. Review status: criteria provided, single submitter. Criteria: ACMG Guidelines, 2015. Collection method: clinical testing. Allele origin: germline.

Sema4
Classification: Likely benign for Hereditary cancer-predisposing syndrome. Last evaluated: 2021-06-25. Review status: criteria provided, single submitter. Criteria: Sema4 Curation Guidelines. Collection method: curation. Allele origin: germline.

Genetic Services Laboratory, University of Chicago
Classification: Uncertain significance. Last evaluated: 2020-02-20. Review status: criteria provided, single submitter. Criteria: ACMG Guidelines, 2015. Collection method: clinical testing. Allele origin: germline. Affected: no.
Comment: DNA sequence analysis of the PMS2 gene demonstrated a sequence change, c.53T>C, in exon 2 that results in an amino acid change, p.Ile18Thr. This sequence change has been described in the gnomAD database with a low population frequency of 0.03% in the overall population and a relatively high population frequency of 0.72% in the Ashkenazi Jewish population (dbSNP rs201343342). This sequence change was identified in a patient with colorectal cancer whose tumor exhibited isolated loss of PMS2 expression by IHC (Vaughn et al., 2010). The p.Ile18Thr change affects a highly conserved amino acid residue located in a domain of the PMS2 protein that is known to be functional. The p.Ile18Thr substitution appears to be deleterious using several in-silico pathogenicity prediction tools (SIFT, PolyPhen2, Align GVGD, REVEL). Due to these contrasting evidences and the lack of functional studies, the clinical significance of the p.Ile18Thr change remains unknown at this time.

Color Diagnostics, LLC DBA Color Health
Classification: Likely benign for Hereditary cancer-predisposing syndrome. Last evaluated: 2019-11-05. Review status: criteria provided, single submitter. Criteria: ACMG Guidelines, 2015. Collection method: clinical testing. Allele origin: germline.

Ambry Genetics
Classification: Likely benign for Hereditary cancer-predisposing syndrome. Last evaluated: 2019-02-20. Review status: criteria provided, single submitter. Criteria: Ambry Variant Classification Scheme 2023. Collection method: clinical testing. Allele origin: germline.

Mendelics
Classification: Uncertain significance for Lynch syndrome. Last evaluated: 2018-07-02. Review status: criteria provided, single submitter. Criteria: Mendelics Assertion Criteria 2017. Collection method: clinical testing. Allele origin: unknown.

Illumina Laboratory Services, Illumina
Classification: Uncertain significance for Lynch syndrome 4. Last evaluated: 2018-05-01. Review status: criteria provided, single submitter. Criteria: ICSL Variant Classification Criteria 13 December 2019. Collection method: clinical testing. Allele origin: germline.
Comment: This variant was observed as part of a predisposition screen in an ostensibly healthy population. A literature search was performed for the gene, cDNA change, and amino acid change (where applicable). Publications were found based on this search. However, the evidence from the literature, in combination with allele frequency data from public databases where available, was not sufficient to rule this variant in or out of causing disease. Therefore, this variant is classified as a variant of unknown significance.

NM_000535.7(PMS2):c.53T>C (p.Ile18Thr)

Gene: PMS2 (PMS1 homolog 2, mismatch repair system component; minus strand). Cytogenetic location: 7p22.1.
Variant type: single nucleotide variant.
Coding change: c.53T>C on transcript NM_000535.7 (MANE Select); coding-DNA position 53, T replaced by C.
Protein change: p.Ile18Thr; replaces isoleucine 18 with threonine.
Molecular consequence: missense variant. On other transcripts: 5 prime UTR variant (8), non-coding transcript variant (1), intron variant (3).
Genome position (GRCh38, 1-based): chr7:6,006,002, A>G on the plus strand (T>C on the coding strand, the complement: PMS2 is on the minus strand). VCF-style: chr7-6006002-A-G. GRCh37 (hg19) VCF-style: chr7-6045633-A-G.
Other names: p.I18T:ATT>ACT; c.-353T>C (NM_001322003.2, NM_001322005.2, NM_001322009.2 and 1 more transcripts); c.53T>C, p.Ile18Thr (NM_001322006.2, NM_001322014.2); c.-163T>C (NM_001322007.2); c.-832T>C (NM_001322011.2, NM_001322012.2); c.-432T>C (NM_001322015.2); c.-52-1944T>C (NM_001322008.2); c.-242-1944T>C (NM_001322010.2, NM_001322004.2); short protein forms I18T.
Identifiers: ClinVar variation 41714 (VCV000041714.55), dbSNP rs201343342, ClinGen allele CA012293.